The following is an entry in ClinVar:

NM_013975.4(LIG3):c.1690A>C (p.Ile564Leu)

Gene: LIG3 (DNA ligase 3; plus strand). Cytogenetic location: 17q12.
Variant type: single nucleotide variant.
Coding change: c.1690A>C on transcript NM_013975.4 (MANE Select); coding-DNA position 1690, A replaced by C.
Protein change: p.Ile564Leu; replaces isoleucine 564 with leucine.
Molecular consequence: missense variant.
Genome position (GRCh38, 1-based): chr17:34,996,142, A>C. VCF-style: chr17-34996142-A-C. GRCh37 (hg19) VCF-style: chr17-33323161-A-C.
Other names: c.1690A>C, p.Ile564Leu (NM_002311.5); short protein forms I564L.
Identifiers: ClinVar variation 496413 (VCV000496413.1), dbSNP rs1555556264, ClinGen allele CA399081728.

ClinVar aggregate classification (germline): Uncertain significance (1 of 4 stars; one submission).

Submission:

Women's Health and Genetics/Laboratory Corporation of America, LabCorp
Classification: Uncertain significance. Last evaluated: 2017-07-03. Review status: criteria provided, single submitter. Criteria: LabCorp Variant Classification Summary - May 2015. Collection method: clinical testing. Allele origin: germline.
Comment: Variant summary: The LIG3 c.1690A>C (p.Ile564Leu) variant involves the alteration of a conserved nucleotide, resulting in a missense change in the ATP-dependent DNA ligase domain (InterPro). 2/4 in silico tools predict a benign outcome for this variant (SNPsandGO not captured due to low reliability index). This variant is absent from the large control database ExAC (0/121348 control chromosomes). To our knowledge, the variant of interest has not been reported in affected individuals via publications and/or reputable databases/clinical diagnostic laboratories, nor has it been evaluated for functional impact by in vivo/vitro studies. Because of the absence of clinical information and the lack of functional studies, the variant is classified as a variant of uncertain significance (VUS) until additional information becomes available.